The following is an entry in ClinVar:

NM_024721.5(ZFHX4):c.9783G>A (p.Gln3261=)

Gene: ZFHX4 (zinc finger homeobox 4; plus strand). Cytogenetic location: 8q21.13.
Variant type: single nucleotide variant.
Coding change: c.9783G>A on transcript NM_024721.5 (MANE Select); coding-DNA position 9783, G replaced by A.
Protein change: p.Gln3261=; no amino-acid change (glutamine 3261 retained).
Molecular consequence: synonymous variant.
Genome position (GRCh38, 1-based): chr8:76,863,497, G>A. VCF-style: chr8-76863497-G-A. GRCh37 (hg19) VCF-style: chr8-77775733-G-A.
Other names: c.9705G>A, p.Gln3235= (NM_001410934.1).
Identifiers: ClinVar variation 3051212 (VCV003051212.2), dbSNP rs375245954, ClinGen allele CA4788443.

ClinVar aggregate classification (germline): Likely benign (0 of 4 stars; one submission).

Conditions:
ZFHX4-related disorder. Also called: ZFHX4-related condition.

Allele frequency attached by ClinVar (database versions not stated): ExAC 0.00005; gnomAD 0.00018; TOPMed 0.00020; ESP Exome Variant Server 0.00025.
gnomAD v4.1: 66 of 1,613,590 alleles (0.0041%); highest among the groups gnomAD compares: African/African-American, 0.079%; no homozygotes.

Submission:

PreventionGenetics, part of Exact Sciences
Classification: Likely benign for ZFHX4-related condition. Last evaluated: 2019-02-18. Review status: no assertion criteria provided. Collection method: clinical testing. Allele origin: germline.
Comment: This variant is classified as likely benign based on ACMG/AMP sequence variant interpretation guidelines (Richards et al. 2015 PMID: 25741868, with internal and published modifications).